The following is an entry in ClinVar:

ClinVar aggregate classification (germline): Uncertain significance (1 of 4 stars; one submission).

Conditions:
Spermatogenic failure 70. Identifiers: MedGen C5676962, MONDO:0030733, OMIM 619828.

Submission:

Juno Genomics, Hangzhou Juno Genomics, Inc
Classification: Uncertain significance for Spermatogenic failure 70. Review status: criteria provided, single submitter. Criteria: ACMG Guidelines, 2015. Collection method: clinical testing. Allele origin: germline.
Comment: Absent from controls (or at extremely low frequency if recessive) in Genome Aggregation Database.;Multiple lines of computational evidence support a deleterious effect on the gene or gene product.

NM_005390.5(PDHA2):c.244C>A (p.Gln82Lys)

Gene: PDHA2 (pyruvate dehydrogenase E1 subunit alpha 2; plus strand). Cytogenetic location: 4q22.3.
Variant type: single nucleotide variant.
Coding change: c.244C>A on transcript NM_005390.5 (MANE Select); coding-DNA position 244, C replaced by A.
Protein change: p.Gln82Lys; replaces glutamine 82 with lysine.
Molecular consequence: missense variant.
Genome position (GRCh38, 1-based): chr4:95,840,394, C>A. VCF-style: chr4-95840394-C-A. GRCh37 (hg19) VCF-style: chr4-96761545-C-A.
Other names: short protein forms Q82K.
Identifiers: ClinVar variation 5006813 (VCV005006813.2).
Genomic context (GRCh38, chr4:95,840,394, plus strand): 5'-TACTACAGGATGATGCTGACTGTTCGCCGCATGGAATTGAAGGCAGATCAGCTGTACAAA[C>A]AGAAATTCATTCGCGGTTTCTGTCACCTGTGCGATGGTCAGGAAGCTTGTTGCGTGGGCC-3'
Protein context (NP_005381.1, residues 72-92): MELKADQLYK[Gln82Lys]KFIRGFCHLC